The following is an entry in ClinVar:

NM_032043.3(BRIP1):c.3099T>C (p.Pro1033=)

Gene: BRIP1 (BRCA1 interacting DNA helicase 1; minus strand). Cytogenetic location: 17q23.2.
Variant type: single nucleotide variant.
Coding change: c.3099T>C on transcript NM_032043.3 (MANE Select); coding-DNA position 3099, T replaced by C.
Protein change: p.Pro1033=; no amino-acid change (proline 1033 retained).
Molecular consequence: synonymous variant.
Genome position (GRCh38, 1-based): chr17:61,683,947, A>G on the plus strand (T>C on the coding strand, the complement: BRIP1 is on the minus strand). VCF-style: chr17-61683947-A-G. GRCh37 (hg19) VCF-style: chr17-59761308-A-G.
Identifiers: ClinVar variation 184008 (VCV000184008.46), dbSNP rs202228407, ClinGen allele CA187468.

ClinVar aggregate classification (germline): Benign/Likely benign. Review status: criteria provided, multiple submitters, no conflicts (2 of 4 stars). 17 submissions from 16 submitters: Benign (9); Likely benign (6). 2 of the submissions do not count toward it. Last evaluated 2026-02-02.

Conditions:
Hereditary cancer-predisposing syndrome. Also called: Tumor predisposition; Neoplastic Syndromes, Hereditary; Hereditary Cancer Syndrome; Hereditary neoplastic syndrome. Identifiers: Orphanet 140162, MedGen C0027672, MeSH D009386, MONDO:0015356.
Fanconi anemia complementation group J. Also called: BRIP1-Related Fanconi Anemia. Identifiers: Orphanet 84, MedGen C1836860, MONDO:0012187, OMIM 609054.
Familial cancer of breast. Also called: hereditary breast carcinoma; BREAST CANCER, FAMILIAL; Hereditary breast cancer. Identifiers: Orphanet 227535, MedGen C0346153, MONDO:0016419, OMIM 114480. Disease mechanism: loss of function.
Ovarian cancer. Also called: OVARIAN CANCER, SOMATIC. Identifiers: Orphanet 213500, MedGen C1140680, MONDO:0008170, OMIM 167000.

Allele frequency attached by ClinVar (database versions not stated): 1000 Genomes Project 0.00020; 1000 Genomes Project 30x 0.00031; gnomAD exomes 0.00034 and 0.00076; TOPMed 0.00034; ExAC 0.00062; gnomAD 0.00013.
gnomAD v4.1: 224 of 1,614,152 alleles (0.014%); highest among the groups gnomAD compares: Admixed American, 0.37%; 2 homozygotes.

Submissions (17):

Labcorp Genetics (formerly Invitae), Labcorp
Classification: Benign for Familial cancer of breast; Fanconi anemia complementation group J. Last evaluated: 2026-02-02. Review status: criteria provided, single submitter. Criteria: Invitae Variant Classification Sherloc (09022015). Collection method: clinical testing. Allele origin: germline.

CeGaT Center for Human Genetics Tuebingen
Classification: Likely benign. Last evaluated: 2026-02-01. Review status: criteria provided, single submitter. Criteria: CeGaT Center For Human Genetics Tuebingen Variant Classification Criteria Version 2. Collection method: clinical testing. Allele origin: germline. Affected: yes. Observed: 2 variant alleles.
Comment: BRIP1: BS1

ARUP Laboratories, Molecular Genetics and Genomics, ARUP Laboratories
Classification: Likely benign. Last evaluated: 2024-02-29. Review status: criteria provided, single submitter. Criteria: ARUP Molecular Germline Variant Investigation Process 2024. Collection method: clinical testing. Allele origin: germline.

Blueprint Genetics
Classification: Likely benign. Last evaluated: 2024-02-19. Review status: criteria provided, single submitter. Criteria: ACMG Guidelines, 2015. Collection method: clinical testing. Allele origin: germline.

Myriad Genetics, Inc.
Classification: Benign for Familial cancer of breast. Last evaluated: 2023-02-28. Review status: criteria provided, single submitter. Criteria: Myriad Autosomal Dominant, Autosomal Recessive and X-Linked Classification Criteria (2023). Collection method: clinical testing. Allele origin: unknown.
Comment: This variant is considered benign. This variant is a silent/synonymous amino acid change and it is not expected to impact splicing.

Quest Diagnostics Nichols Institute San Juan Capistrano
Classification: Benign. Last evaluated: 2022-02-03. Review status: criteria provided, single submitter. Criteria: Quest Diagnostics criteria. Collection method: clinical testing. Allele origin: unknown.

Fulgent Genetics
Classification: Likely benign for Familial cancer of breast; Fanconi anemia complementation group J. Last evaluated: 2021-10-11. Review status: criteria provided, single submitter. Criteria: ACMG Guidelines, 2015. Collection method: clinical testing. Allele origin: unknown.

Sema4
Classification: Benign for Hereditary cancer-predisposing syndrome. Last evaluated: 2021-09-15. Review status: criteria provided, single submitter. Criteria: Sema4 Curation Guidelines. Collection method: curation. Allele origin: germline.

Genetic Services Laboratory, University of Chicago
Classification: Benign. Last evaluated: 2018-11-19. Review status: criteria provided, single submitter. Criteria: ACMG Guidelines, 2015. Collection method: clinical testing. Allele origin: germline. Affected: no.

Illumina Laboratory Services, Illumina
Classification: Likely benign for Fanconi anemia complementation group J. Last evaluated: 2018-01-13. Review status: criteria provided, single submitter. Criteria: ICSL Variant Classification Criteria 13 December 2019. Collection method: clinical testing. Allele origin: germline.
Comment: This variant was observed in the ICSL laboratory as part of a predisposition screen in an ostensibly healthy population. It had not been previously curated by ICSL or reported in the Human Gene Mutation Database (HGMD: prior to June 1st, 2018), and was therefore a candidate for classification through an automated scoring system. Utilizing variant allele frequency, disease prevalence and penetrance estimates, and inheritance mode, an automated score was calculated to assess if this variant is too frequent to cause the disease. Based on the score and internal cut-off values, a variant classified as likely benign is not then subjected to further curation. The score for this variant resulted in a classification of likely benign for this disease.

PreventionGenetics, part of Exact Sciences
Classification: Benign. Last evaluated: 2017-03-07. Review status: criteria provided, single submitter. Criteria: ACMG Guidelines, 2015. Collection method: clinical testing. Allele origin: germline.

Color Diagnostics, LLC DBA Color Health
Classification: Benign for Hereditary cancer-predisposing syndrome. Last evaluated: 2016-11-01. Review status: criteria provided, single submitter. Criteria: ACMG Guidelines, 2015. Collection method: clinical testing. Allele origin: germline.

Women's Health and Genetics/Laboratory Corporation of America, LabCorp
Classification: Benign. Last evaluated: 2016-05-09. Review status: criteria provided, single submitter. Criteria: LabCorp Variant Classification Summary - May 2015. Collection method: clinical testing. Allele origin: germline.
Comment: Variant summary: The BRIP1 c.3099T>C (p.Pro1033Pro) variant involves the alteration of a non-conserved nucleotide, resulting in a synonymous change. One in silico tool predicts a benign outcome for this variant. 5/5 splice prediction tools predict no significant impact on normal splicing. However, these predictions have yet to be confirmed by functional studies. This variant was found in 75/121402 control chromosomes (2 homozygotes), predominantly observed in the Latino subpopulation at a frequency of 0.0064778 (75/11578). This frequency is about 104 times the estimated maximal expected allele frequency of a pathogenic BRIP1 variant (0.0000625), suggesting this is likely a benign polymorphism found primarily in the populations of Latino origin. In addition, multiple clinical diagnostic laboratories/reputable databases classified this variant as benign/likely benign. The variant of interest has not, to our knowledge, been reported in affected individuals via publications nor evaluated for functional impact by in vivo/vitro studies. Taken together, this variant is classified as benign.

GeneDx
Classification: Benign. Last evaluated: 2015-03-03. Review status: criteria provided, single submitter. Criteria: GeneDx Variant Classification Process June 2021. Collection method: clinical testing. Allele origin: germline. Affected: yes.

Ambry Genetics
Classification: Likely benign for Hereditary cancer-predisposing syndrome. Last evaluated: 2014-06-26. Review status: criteria provided, single submitter. Criteria: Ambry Variant Classification Scheme 2023. Collection method: clinical testing. Allele origin: germline.

Counsyl
Classification: Likely benign for Fanconi anemia complementation group J. Last evaluated: 2016-10-11. Review status: no assertion criteria provided. Collection method: clinical testing. Allele origin: unknown. Not counted in ClinVar's aggregate classification.

Counsyl
Classification: Likely benign for Ovarian cancer. Last evaluated: 2016-10-11. Review status: no assertion criteria provided. Collection method: clinical testing. Allele origin: unknown. Not counted in ClinVar's aggregate classification.